The following is an entry in ClinVar:

NM_000152.5(GAA):c.1432G>A (p.Gly478Arg)

Gene: GAA (alpha glucosidase; plus strand). Cytogenetic location: 17q25.3.
Variant type: single nucleotide variant.
Coding change: c.1432G>A on transcript NM_000152.5 (MANE Select); coding-DNA position 1432, G replaced by A.
Protein change: p.Gly478Arg; replaces glycine 478 with arginine.
Molecular consequence: missense variant.
Genome position (GRCh38, 1-based): chr17:80,110,050, G>A. VCF-style: chr17-80110050-G-A. GRCh37 (hg19) VCF-style: chr17-78083849-G-A.
Other names: c.1432G>A (LRG_673t1, NM_000152.4); c.1432G>A, p.Gly478Arg (NM_001079803.3, NM_001079804.3); short protein forms G478R.
Identifiers: ClinVar variation 551295 (VCV000551295.18), dbSNP rs778068209, ClinGen allele CA8815317.

ClinVar aggregate classification (germline): Pathogenic. Review status: reviewed by expert panel (3 of 4 stars). 9 submissions from 9 submitters: Pathogenic (1). 8 of the submissions do not count toward it. Last evaluated 2024-11-05.

Conditions:
Glycogen storage disease, type II (IOPD). Also called: POMPE DISEASE, INFANTILE-ONSET; GLYCOGEN STORAGE DISEASE II, INFANTILE-ONSET; ACID ALPHA-GLUCOSIDASE DEFICIENCY, INFANTILE-ONSET; GAA DEFICIENCY, INFANTILE-ONSET; ACID MALTASE DEFICIENCY, INFANTILE-ONSET; CARDIOMEGALIA GLYCOGENICA DIFFUSA. Identifiers: Orphanet 365, MedGen C0017921, MONDO:0009290, OMIM 232300.

Allele frequency attached by ClinVar (database versions not stated): gnomAD exomes below 0.00001; ExAC 0.00001.

Submissions (9):

ClinGen Lysosomal Storage Disorder Variant Curation Expert Panel
Classification: Pathogenic for Glycogen storage disease, type II. Last evaluated: 2024-11-05. Review status: reviewed by expert panel. Criteria: clingen_lsd_acmg_specifications_v2-1. Collection method: curation. Allele origin: germline. Inheritance: Autosomal recessive inheritance.
Comment: The NM_000152.5:c.1432G>A variant in GAA is a missense variant predicted to cause substitution of glycine by arginine at amino acid 478 (p.Gly478Arg). At least seven probands with symptoms consistent with infantile-onset-Pompe disease or late-onset Pompe disease with documented deficiency of GAA activity have been reported with this variant (PMIDs 25998610, 25213570, 17616415, 28394184) (PP4_Moderate). Six of these probands are compound heterozygous for the variant and a variant classified as pathogenic by the ClinGen Lysosomal Diseases VCEP; the variants were confirmed in trans by parental testing for one of the patients (PM3_Strong). The highest population minor allele frequency in gnomAD v2.1,1 is 0.00002895 (Latino) which is lower than the ClinGen LSD VCEP threshold (<0.001) for PM2_supporting, meeting this criterion. Expression of the variant in COS7 cells resulted in <2% GAA activity in cells, indicating that this variant may impact protein function (PMID 22253258, 19862843) (PS3_Moderate). The computational predictor REVEL gives a score of 0.954 which is above the threshold of 0.7, evidence that correlates with impact to GAA function (PP3). There is a ClinVar entry for this variant (Variation ID: 551295, 2 star review status) with 2 submitters classifying the variant as Likely Pathogenic and 2 submitters classfying the variant as Pathogenic. In summary, this variant meets the criteria to be classified as Pathogenic for Pompe disease based on the ACMG/AMP criteria applied, as specified by the ClinGen Lysosomal Diseases Variant Curation Expert panel (specifications Version 2.0): PM3_Strong, PP4_Moderate, PS3_Moderate, PP3, PM2_Supporting. (Classification approved by the ClinGen Lysosomal Diseases Variant Curation Expert Panel on November 5, 2024)

Genomenon, Inc
Classification: Likely pathogenic for Glycogen storage disease, type II. Last evaluated: 2026-07-01. Review status: criteria provided, single submitter. Criteria: Genomenon Sequence Variant Interpretation Standards - Updated. Collection method: curation. Allele origin: germline. Affected: yes. Not counted in ClinVar's aggregate classification.
Comment: GAA p.Gly478Arg (c.1432G>A) is a missense variant that changes the amino acid at codon 478 from Glycine to Arginine. This variant has been observed in at least one proband with a GAA-related disorder in the compound heterozygous and/or homozygous state (PMID:38958145;38162137;35833019;28394184;14695532). At least one functional study has demonstrated a substantial alteration in protein function relative to the wild-type (PMID:14695532;19862843). It is absent or not present at a significant frequency in gnomAD. In silico models predict that this variant is possibly or probably damaging. In conclusion, we classify GAA p.Gly478Arg (c.1432G>A) as a likely pathogenic variant.

Women's Health and Genetics/Laboratory Corporation of America, LabCorp
Classification: Pathogenic for Glycogen storage disease, type II. Last evaluated: 2025-03-31. Review status: criteria provided, single submitter. Criteria: LabCorp Variant Classification Summary - May 2015. Collection method: clinical testing. Allele origin: germline. Not counted in ClinVar's aggregate classification.
Comment: Variant summary: GAA c.1432G>A (p.Gly478Arg) results in a non-conservative amino acid change in the encoded protein sequence. Five of five in-silico tools predict a damaging effect of the variant on protein function. The variant allele was found at a frequency of 4e-06 in 248486 control chromosomes. c.1432G>A has been reported in the presumed compound heterozygous state in the literature in multiple individuals affected with Glycogen Storage Disease, Type 2 (Pompe Disease) (example, Chen_2017, Hermans_2004, Lee_2014, Li_2023). These data indicate that the variant is likely to be associated with disease. At least one publication reports experimental evidence evaluating an impact on protein function. The most pronounced variant effect results in <10% of normal activity in vitro (example, Hermans_2004). The following publications have been ascertained in the context of this evaluation (PMID: 28394184, 17616415, 25998610, 14695532, 25213570, 38162137). ClinVar contains an entry for this variant (Variation ID: 551295). Based on the evidence outlined above, the variant was classified as pathogenic.

Myriad Genetics, Inc.
Classification: Pathogenic for Glycogen storage disease, type II. Last evaluated: 2025-02-19. Review status: criteria provided, single submitter. Criteria: Myriad Autosomal Dominant, Autosomal Recessive and X-Linked Classification Criteria (2023). Collection method: clinical testing. Allele origin: unknown. Not counted in ClinVar's aggregate classification.
Comment: NM_000152.3(GAA):c.1432G>A(G478R) is a missense variant classified as pathogenic in the context of Pompe disease. G478R has been observed in cases with relevant disease (PMID: 25213570, 36428004, 38162137, 35833019, 25998610, 14695532, 38958145, 17616415). Relevant functional assessments of this variant are available in the literature (PMID: 14695532, 19862843, 28592009). G478R has been observed in referenced population frequency databases. In summary, NM_000152.3(GAA):c.1432G>A(G478R) is a missense variant that has functional support for pathogenicity and has been observed more frequently in cases with the relevant disease than in healthy populations. Please note: this variant was assessed in the context of healthy population screening.

Baylor Genetics
Classification: Pathogenic for Glycogen storage disease, type II. Last evaluated: 2024-03-30. Review status: criteria provided, single submitter. Criteria: ACMG Guidelines, 2015. Collection method: clinical testing. Allele origin: unknown. Not counted in ClinVar's aggregate classification.

Natera, Inc.
Classification: Likely pathogenic for Glycogen storage disease type II. Last evaluated: 2024-03-06. Review status: criteria provided, single submitter. Criteria: Natera Variant Classification Schema (03/2026). Collection method: clinical testing. Allele origin: germline. Not counted in ClinVar's aggregate classification.
Comment: The c.1432G>A variant in GAA is a missense variant predicted to cause substitution of glycine to arginine at amino acid 478. This variant is rare in the general population with a frequency below the threshold expected for the associated phenotype(s). This variant has been observed in one or more individuals affected with the associated recessive disease, as either homozygous or compound heterozygous with a second variant (PMID: 17616415, 28394184, 25998610). Functional studies show that this variant may disrupt protein function (PMID: 14695532). Computational prediction algorithms indicate this variant is likely to affect gene or protein function. Given the available evidence, this variant is classified as Likely Pathogenic.

Labcorp Genetics (formerly Invitae), Labcorp
Classification: Pathogenic for Glycogen storage disease, type II. Last evaluated: 2022-08-24. Review status: criteria provided, single submitter. Criteria: Invitae Variant Classification Sherloc (09022015). Collection method: clinical testing. Allele origin: germline. Not counted in ClinVar's aggregate classification.
Comment: Experimental studies have shown that this missense change affects GAA function (PMID: 14695532, 28592009). For these reasons, this variant has been classified as Pathogenic. Algorithms developed to predict the effect of sequence changes on RNA splicing suggest that this variant may create or strengthen a splice site. Advanced modeling of protein sequence and biophysical properties (such as structural, functional, and spatial information, amino acid conservation, physicochemical variation, residue mobility, and thermodynamic stability) performed at Invitae indicates that this missense variant is expected to disrupt GAA protein function. ClinVar contains an entry for this variant (Variation ID: 551295). This missense change has been observed in individual(s) with Pompe disease (PMID: 14695532, 17616415, 25213570, 25998610, 28394184, 28592009). This variant is present in population databases (rs778068209, gnomAD 0.003%). This sequence change replaces glycine, which is neutral and non-polar, with arginine, which is basic and polar, at codon 478 of the GAA protein (p.Gly478Arg).

Broad Center for Mendelian Genomics, Broad Institute of MIT and Harvard
Classification: Likely pathogenic for Glycogen storage disease, type II. Last evaluated: 2020-01-22. Review status: criteria provided, single submitter. Criteria: ACMG Guidelines, 2015. Collection method: curation. Allele origin: germline. Inheritance: Autosomal recessive inheritance. Not counted in ClinVar's aggregate classification.
Comment: The p.Gly478Arg variant in GAA has been reported in seven individuals with glycogen storage disease II (PMID: 28394184, 25213570, 25998610, 17616415, 14695532) and has also been reported as likely pathogenic by Counsyl in ClinVar (VariationID: 551295). This variant has been identified in 0.003% (1/34538) of Latino chromosomes by the Genome Aggregation Database (gnomAD; dbSNP rs778068209). Although this variant has been seen in the general population, its frequency is low enough to be consistent with a recessive carrier frequency. In vitro functional studies using COS cells transfected with the variant provide some evidence that the p.Gly478Arg variant may impact protein function (PMID: 14695532, 19862843). However, these types of assays may not accurately represent biological function. Computational prediction tools and conservation analyses suggest that this variant may impact the protein, though this information is not predictive enough to determine pathogenicity. Additionally, this variant was reported in combination with reported pathogenic variants in individuals with glycogen storage disease II (VariationID: 4027, 194154, 403712; PMID: 25998610, 17616415, 28394184, 25213570). In summary, although additional studies are required to fully establish its clinical significance, this variant is likely pathogenic. ACMG/AMP Criteria applied: PS3, PM2, PP3, PP4 (Richards 2015).

Counsyl
Classification: Likely pathogenic for Glycogen storage disease, type II. Last evaluated: 2017-04-04. Review status: no assertion criteria provided. Collection method: clinical testing. Allele origin: unknown. Not counted in ClinVar's aggregate classification.

Literature cited by the submitters: PubMed 38958145 (cited by Genomenon, Inc and Myriad Genetics, Inc.); PubMed 38162137 (cited by 3 submitters); PubMed 35833019 (cited by Genomenon, Inc and Myriad Genetics, Inc.); PubMed 28394184 (cited by 5 submitters); PubMed 14695532 (cited by 7 submitters); PubMed 19862843 (cited by 4 submitters); PubMed 17616415 (cited by 6 submitters); PubMed 25998610 (cited by 5 submitters); PubMed 25213570 (cited by 4 submitters); PubMed 28592009 (cited by Myriad Genetics, Inc. and Labcorp Genetics (formerly Invitae), Labcorp); PubMed 36428004 (cited by Myriad Genetics, Inc.); PubMed 22253258 (cited by Broad Center for Mendelian Genomics, Broad Institute of MIT and Harvard).